The following is an entry in ClinVar:

ClinVar aggregate classification (germline): Uncertain significance (1 of 4 stars; one submission).

Conditions:
GZF1-related disorder. Also called: GZF1-related condition.

gnomAD v4.1: 3 of 1,611,928 alleles (0.00019%); highest among the groups gnomAD compares: South Asian, 0.0011%; no homozygotes.

Submission:

PreventionGenetics, part of Exact Sciences
Classification: Uncertain significance for GZF1-related condition. Last evaluated: 2025-09-25. Review status: criteria provided, single submitter. Criteria: ACMG Guidelines, 2015. Collection method: clinical testing. Allele origin: germline.
Comment: The GZF1 c.1186G>A variant is predicted to result in the amino acid substitution p.Val396Met. To our knowledge, this variant has not been reported in the literature or in a large population database (gnomAD), indicating this variant is rare. At this time, the clinical significance of this variant is uncertain due to the absence of conclusive functional and genetic evidence.

NM_022482.5(GZF1):c.1186G>A (p.Val396Met)

Gene: GZF1 (GDNF inducible zinc finger protein 1; plus strand). Cytogenetic location: 20p11.21.
Variant type: single nucleotide variant.
Coding change: c.1186G>A on transcript NM_022482.5 (MANE Select); coding-DNA position 1186, G replaced by A.
Protein change: p.Val396Met; replaces valine 396 with methionine.
Molecular consequence: missense variant.
Genome position (GRCh38, 1-based): chr20:23,365,569, G>A. VCF-style: chr20-23365569-G-A. GRCh37 (hg19) VCF-style: chr20-23346206-G-A.
Other names: c.1186G>A, p.Val396Met (NM_001317012.2, NM_001317019.1); short protein forms V396M.
Identifiers: ClinVar variation 4978847 (VCV004978847.1).